The following is an entry in ClinVar:

NM_001376.5(DYNC1H1):c.10975A>G (p.Arg3659Gly)

Gene: DYNC1H1 (dynein cytoplasmic 1 heavy chain 1; plus strand). Cytogenetic location: 14q32.31.
Variant type: single nucleotide variant.
Coding change: c.10975A>G on transcript NM_001376.5 (MANE Select); coding-DNA position 10975, A replaced by G.
Protein change: p.Arg3659Gly; replaces arginine 3659 with glycine.
Molecular consequence: missense variant.
Genome position (GRCh38, 1-based): chr14:102,038,526, A>G. VCF-style: chr14-102038526-A-G. GRCh37 (hg19) VCF-style: chr14-102504863-A-G.
Other names: short protein forms R3659G.
Identifiers: ClinVar variation 3252401 (VCV003252401.2), dbSNP rs2503842720.

ClinVar aggregate classification (germline): Uncertain significance. Review status: criteria provided, multiple submitters, no conflicts (2 of 4 stars). 2 submissions from 2 submitters: Uncertain significance (2). Last evaluated 2023-12-15.

Submissions (2):

GeneDx
Classification: Uncertain significance. Last evaluated: 2023-12-15. Review status: criteria provided, single submitter. Criteria: GeneDx Variant Classification Process June 2021. Collection method: clinical testing. Allele origin: germline. Affected: yes.
Comment: Has not been previously published as pathogenic or benign to our knowledge; Not observed at significant frequency in large population cohorts (gnomAD); In silico analysis supports that this missense variant has a deleterious effect on protein structure/function

Blueprint Genetics
Classification: Uncertain significance. Last evaluated: 2022-02-07. Review status: criteria provided, single submitter. Criteria: ACMG Guidelines, 2015. Collection method: clinical testing. Allele origin: germline.